The following is an entry in ClinVar:

ClinVar aggregate classification (germline): Benign. Review status: criteria provided, single submitter (1 of 4 stars). 2 submissions from 2 submitters: Benign (1). 1 of the submissions does not count toward it. Last evaluated 2018-11-06.

Conditions:
NELFA-related disorder. Also called: NELFA-related condition.

Allele frequency attached by ClinVar (database versions not stated): ExAC 0.00049; 1000 Genomes Project 30x 0.00094; ESP Exome Variant Server 0.00096; 1000 Genomes Project 0.00100; TOPMed 0.00108; gnomAD exomes 0.00009 and 0.00018; gnomAD 0.00114 and 0.00124.

Submissions (2):

Labcorp Genetics (formerly Invitae), Labcorp
Classification: Benign. Last evaluated: 2018-11-06. Review status: criteria provided, single submitter. Criteria: Invitae Variant Classification Sherloc (09022015). Collection method: clinical testing. Allele origin: germline.

PreventionGenetics, part of Exact Sciences
Classification: Likely benign for NELFA-related condition. Last evaluated: 2020-07-20. Review status: no assertion criteria provided. Collection method: clinical testing. Allele origin: germline. Not counted in ClinVar's aggregate classification.
Comment: This variant is classified as likely benign based on ACMG/AMP sequence variant interpretation guidelines (Richards et al. 2015 PMID: 25741868, with internal and published modifications).

NM_005663.5(NELFA):c.925-10dup

Gene: NELFA (negative elongation factor complex member A; minus strand). Cytogenetic location: 4p16.3.
Variant type: Duplication.
Coding change: c.925-10dup on transcript NM_005663.5 (MANE Select); 10 bases into the intron before coding-DNA position 925, one base duplicated (T; older notation c.925-10dupT).
Molecular consequence: intron variant.
Genome position (GRCh38, 1-based): chr4:1,984,929, A duplicated on the plus strand (T on the coding strand, the reverse complement: NELFA is on the minus strand). VCF-style (leftmost placement, unchanged base first): chr4-1984928-C-CA. GRCh37 (hg19) VCF-style: chr4-1986655-C-CA.
Identifiers: ClinVar variation 709406 (VCV000709406.5), dbSNP rs577653751, ClinGen allele CA2813260.
Genomic context (GRCh38, chr4:1,984,928, plus strand): 5'-GAAGGTAGCTCGTGGAGGGCAGCGCAGGCTCATTGTTCAGGGACCCAAGTTTCTGGAACA[C>CA]AGAGTTTAAGGTTCCTTCCAGAAGAGGCCATGCTTCCGGCATGTGCTAACACATGGCCCG-3'